The following is an entry in ClinVar:

ClinVar aggregate classification (germline): Benign/Likely benign. Review status: criteria provided, multiple submitters, no conflicts (2 of 4 stars). 2 submissions from 2 submitters: Benign (1); Likely benign (1). Last evaluated 2024-02-09.

Conditions:
3-methylcrotonyl-CoA carboxylase 1 deficiency (MCC1D). Also called: METHYLCROTONYLGLYCINURIA TYPE I; MCCD TYPE 1; MCC 1 deficiency; 3 Alpha methylcrotonylglycinuria 1. Identifiers: Orphanet 6, MedGen CN028786, MONDO:0008861, OMIM 210200.

Submissions (2):

Labcorp Genetics (formerly Invitae), Labcorp
Classification: Benign for 3-methylcrotonyl-CoA carboxylase 1 deficiency. Last evaluated: 2024-02-09. Review status: criteria provided, single submitter. Criteria: Invitae Variant Classification Sherloc (09022015). Collection method: clinical testing. Allele origin: germline.

GeneDx
Classification: Likely benign. Last evaluated: 2018-02-08. Review status: criteria provided, single submitter. Criteria: GeneDx Variant Classification (06012015). Collection method: clinical testing. Allele origin: germline. Affected: yes.
Comment: This variant is considered likely benign or benign based on one or more of the following criteria: it is a conservative change, it occurs at a poorly conserved position in the protein, it is predicted to be benign by multiple in silico algorithms, and/or has population frequency not consistent with disease.

NM_020166.5(MCCC1):c.874-6dup

Gene: MCCC1 (methylcrotonyl-CoA carboxylase subunit 1; minus strand). Cytogenetic location: 3q27.1.
Variant type: Duplication.
Coding change: c.874-6dup on transcript NM_020166.5 (MANE Select); 6 bases into the intron before coding-DNA position 874, one base duplicated (T; older notation c.874-6dupT).
Molecular consequence: intron variant.
Genome position (GRCh38, 1-based): chr3:183,052,246, A duplicated on the plus strand (T on the coding strand, the reverse complement: MCCC1 is on the minus strand); the first of 7 consecutive A bases (chr3:183,052,246-183,052,252); duplicating any one gives the same sequence. VCF-style (leftmost placement, unchanged base first): chr3-183052245-G-GA. GRCh37 (hg19) VCF-style: chr3-182770033-G-GA.
Other names: c.874-6dupT (NM_020166.3); c.547-6dup (NM_001363880.1); c.523-6dup (NM_001293273.2).
Identifiers: ClinVar variation 514921 (VCV000514921.9), dbSNP rs755494348, ClinGen allele CA548366154.